The following is an entry in ClinVar:

NM_057176.3(BSND):c.597T>C (p.Asp199=)

Gene: BSND (barttin CLCNK type accessory subunit beta; plus strand). Cytogenetic location: 1p32.3.
Variant type: single nucleotide variant.
Coding change: c.597T>C on transcript NM_057176.3 (MANE Select); coding-DNA position 597, T replaced by C.
Protein change: p.Asp199=; no amino-acid change (aspartic acid 199 retained).
Molecular consequence: synonymous variant.
Genome position (GRCh38, 1-based): chr1:55,008,262, T>C. VCF-style: chr1-55008262-T-C. GRCh37 (hg19) VCF-style: chr1-55473935-T-C.
Identifiers: ClinVar variation 226466 (VCV000226466.23), dbSNP rs200886926, ClinGen allele CA871380.

ClinVar aggregate classification (germline): Benign/Likely benign. Review status: criteria provided, multiple submitters, no conflicts (2 of 4 stars). 6 submissions from 6 submitters: Benign (4); Likely benign (2). Last evaluated 2026-07-01.

Conditions:
Bartter disease type 4A. Also called: BARTTER SYNDROME, TYPE 4A, NEONATAL, WITH SENSORINEURAL DEAFNESS; BARTTER SYNDROME, NEONATAL, WITH SENSORINEURAL DEAFNESS. Identifiers: Orphanet 112, MedGen C1865270, MONDO:0011242, OMIM 602522.

Allele frequency attached by ClinVar (database versions not stated): 1000 Genomes Project 30x 0.00031; 1000 Genomes Project 0.00040; gnomAD 0.00040; gnomAD exomes 0.00041 and 0.00211; TOPMed 0.00110; ExAC 0.00173.
gnomAD v4.1: 642 of 1,614,200 alleles (0.04%); highest among the groups gnomAD compares: Admixed American, 1.1%; 8 homozygotes.

Submissions (6):

CeGaT Center for Human Genetics Tuebingen
Classification: Likely benign. Last evaluated: 2026-07-01. Review status: criteria provided, single submitter. Criteria: CeGaT Center For Human Genetics Tuebingen Variant Classification Criteria Version 2. Collection method: clinical testing. Allele origin: germline. Affected: yes. Observed: 1 variant allele.
Comment: BSND: BP4, BP7, BS1

Labcorp Genetics (formerly Invitae), Labcorp
Classification: Benign. Last evaluated: 2026-01-30. Review status: criteria provided, single submitter. Criteria: Invitae Variant Classification Sherloc (09022015). Collection method: clinical testing. Allele origin: germline.

Fulgent Genetics
Classification: Benign for Bartter disease type 4A. Last evaluated: 2021-08-25. Review status: criteria provided, single submitter. Criteria: ACMG Guidelines, 2015. Collection method: clinical testing. Allele origin: unknown.

GeneDx
Classification: Likely benign. Last evaluated: 2021-05-10. Review status: criteria provided, single submitter. Criteria: GeneDx Variant Classification Process June 2021. Collection method: clinical testing. Allele origin: germline. Affected: yes.

Illumina Laboratory Services, Illumina
Classification: Benign for Bartter disease type 4A. Last evaluated: 2018-01-13. Review status: criteria provided, single submitter. Criteria: ICSL Variant Classification Criteria 13 December 2019. Collection method: clinical testing. Allele origin: germline.
Comment: This variant was observed in the ICSL laboratory as part of a predisposition screen in an ostensibly healthy population. It had not been previously curated by ICSL or reported in the Human Gene Mutation Database (HGMD: prior to June 1st, 2018), and was therefore a candidate for classification through an automated scoring system. Utilizing variant allele frequency, disease prevalence and penetrance estimates, and inheritance mode, an automated score was calculated to assess if this variant is too frequent to cause the disease. Based on the score and internal cut-off values, a variant classified as benign is not then subjected to further curation. The score for this variant resulted in a classification of benign for this disease.

Laboratory for Molecular Medicine, Mass General Brigham Personalized Medicine
Classification: Benign. Last evaluated: 2015-06-08. Review status: criteria provided, single submitter. Criteria: LMM Criteria. Collection method: clinical testing. Allele origin: germline. Observed: 4 variant alleles.
Comment: p.Asp199Asp in exon 4 of BSND: This variant is not expected to have clinical sig nificance it has been identified in 1.8% (207/11524) of Latino chromosomes by th e Exome Aggregation Consortium (ExAC; dbSNP rs20 0886926).